The following is an entry in ClinVar:

NM_000059.4(BRCA2):c.734G>C (p.Arg245Thr)

Gene: BRCA2 (BRCA2 DNA repair associated; plus strand). Cytogenetic location: 13q13.1.
Variant type: single nucleotide variant.
Coding change: c.734G>C on transcript NM_000059.4 (MANE Select); coding-DNA position 734, G replaced by C.
Protein change: p.Arg245Thr; replaces arginine 245 with threonine.
Molecular consequence: missense variant.
Genome position (GRCh38, 1-based): chr13:32,330,971, G>C. VCF-style: chr13-32330971-G-C. GRCh37 (hg19) VCF-style: chr13-32905108-G-C.
Other names: short protein forms R245T.
Identifiers: ClinVar variation 252845 (VCV000252845.11), dbSNP rs879255462, ClinGen allele CA10586077.

ClinVar aggregate classification (germline): Conflicting classifications of pathogenicity. Review status: criteria provided, conflicting classifications (1 of 4 stars). 4 submissions from 4 submitters: Uncertain significance (1); Likely benign (1). 2 of the submissions do not count toward it. Last evaluated 2025-06-18.

Conditions:
Hereditary cancer-predisposing syndrome. Also called: Tumor predisposition; Hereditary Cancer Syndrome; Neoplastic Syndromes, Hereditary; Hereditary neoplastic syndrome. Identifiers: Orphanet 140162, MedGen C0027672, MeSH D009386, MONDO:0015356.
Hereditary breast ovarian cancer syndrome. Also called: Hereditary breast and ovarian cancer; Breast and ovarian cancer; Hereditary breast and/or ovarian cancer syndrome; BRCA1- and BRCA2-Associated Hereditary Breast and Ovarian Cancer; Hereditary breast and ovarian cancer syndrome; Hereditary breast and ovarian cancer syndrome (HBOC). Identifiers: Orphanet 145, MedGen C0677776, MeSH D061325, MONDO:0003582. Disease mechanism: loss of function.
Breast-ovarian cancer, familial, susceptibility to, 2 (BROVCA2). Also called: BRCA2 Hereditary Breast and Ovarian Cancer. Identifiers: Orphanet 145, MedGen C2675520, MONDO:0012933, OMIM 612555. Disease mechanism: loss of function.

Submissions (4):

Labcorp Genetics (formerly Invitae), Labcorp
Classification: Uncertain significance for Hereditary breast ovarian cancer syndrome. Last evaluated: 2025-06-18. Review status: criteria provided, single submitter. Criteria: Invitae Variant Classification Sherloc (09022015). Collection method: clinical testing. Allele origin: germline.
Comment: This sequence change replaces arginine, which is basic and polar, with threonine, which is neutral and polar, at codon 245 of the BRCA2 protein (p.Arg245Thr). This variant is not present in population databases (gnomAD no frequency). This variant has not been reported in the literature in individuals affected with BRCA2-related conditions. ClinVar contains an entry for this variant (Variation ID: 252845). Invitae Evidence Modeling of protein sequence and biophysical properties (such as structural, functional, and spatial information, amino acid conservation, physicochemical variation, residue mobility, and thermodynamic stability) indicates that this missense variant is not expected to disrupt BRCA2 protein function with a negative predictive value of 95%. In summary, the available evidence is currently insufficient to determine the role of this variant in disease. Therefore, it has been classified as a Variant of Uncertain Significance.

Ambry Genetics
Classification: Likely benign for Hereditary cancer-predisposing syndrome. Last evaluated: 2024-09-23. Review status: criteria provided, single submitter. Criteria: Ambry Variant Classification Scheme 2023. Collection method: clinical testing. Allele origin: germline.

Counsyl
Classification: Uncertain significance for Breast-ovarian cancer, familial, susceptibility to, 2. Last evaluated: 2016-11-14. Review status: no assertion criteria provided. Collection method: clinical testing. Allele origin: unknown. Not counted in ClinVar's aggregate classification.

Sharing Clinical Reports Project (SCRP)
Classification: Uncertain significance for Breast-ovarian cancer, familial 2. Last evaluated: 2007-03-20. Review status: no assertion criteria provided. Collection method: clinical testing. Allele origin: germline. Not counted in ClinVar's aggregate classification.